The following is an entry in ClinVar:

NM_001365951.3(KIF1B):c.3481G>A (p.Gly1161Arg)

Gene: KIF1B (kinesin family member 1B; plus strand). Cytogenetic location: 1p36.22.
Variant type: single nucleotide variant.
Coding change: c.3481G>A on transcript NM_001365951.3 (MANE Select); coding-DNA position 3481, G replaced by A.
Protein change: p.Gly1161Arg; replaces glycine 1161 with arginine.
Molecular consequence: missense variant.
Genome position (GRCh38, 1-based): chr1:10,339,827, G>A. VCF-style: chr1-10339827-G-A. GRCh37 (hg19) VCF-style: chr1-10399885-G-A.
Other names: c.3481G>A, p.Gly1161Arg (NM_001365952.1); c.3343G>A, p.Gly1115Arg (NM_015074.3); short protein forms G1115R, G1161R.
Identifiers: ClinVar variation 2625691 (VCV002625691.2), dbSNP rs1383054292, ClinGen allele CA338341118.

ClinVar aggregate classification (germline): Uncertain significance (1 of 4 stars; one submission).

Allele frequency attached by ClinVar (database versions not stated): TOPMed below 0.00001.

Submission:

Ambry Genetics
Classification: Uncertain significance. Last evaluated: 2023-06-24. Review status: criteria provided, single submitter. Criteria: Ambry Variant Classification Scheme 2023. Collection method: clinical testing. Allele origin: germline.
Comment: The p.G1115R variant (also known as c.3343G>A), located in coding exon 29 of the KIF1B gene, results from a G to A substitution at nucleotide position 3343. The glycine at codon 1115 is replaced by arginine, an amino acid with dissimilar properties. This amino acid position is conserved. In addition, this alteration is predicted to be deleterious by in silico analysis. Since supporting evidence is limited at this time, the clinical significance of this alteration remains unclear.